The following is an entry in ClinVar:

NM_004994.3(MMP9):c.301G>A (p.Val101Ile)

Gene: MMP9 (matrix metallopeptidase 9; plus strand). Cytogenetic location: 20q13.12.
Variant type: single nucleotide variant.
Coding change: c.301G>A on transcript NM_004994.3 (MANE Select); coding-DNA position 301, G replaced by A.
Protein change: p.Val101Ile; replaces valine 101 with isoleucine.
Molecular consequence: missense variant.
Genome position (GRCh38, 1-based): chr20:46,010,028, G>A. VCF-style: chr20-46010028-G-A. GRCh37 (hg19) VCF-style: chr20-44638667-G-A.
Other names: short protein forms V101I.
Identifiers: ClinVar variation 1974577 (VCV001974577.5), dbSNP rs2515611044, ClinGen allele CA409212118.

ClinVar aggregate classification (germline): Uncertain significance (1 of 4 stars; one submission).

Allele frequency attached by ClinVar (database versions not stated): gnomAD exomes 0.00001.
gnomAD v4.1: 4 of 1,551,568 alleles (0.00026%); highest among the groups gnomAD compares: South Asian, 0.0036%; no homozygotes.

Submission:

Labcorp Genetics (formerly Invitae), Labcorp
Classification: Uncertain significance. Last evaluated: 2022-10-05. Review status: criteria provided, single submitter. Criteria: Invitae Variant Classification Sherloc (09022015). Collection method: clinical testing. Allele origin: germline.
Comment: In summary, the available evidence is currently insufficient to determine the role of this variant in disease. Therefore, it has been classified as a Variant of Uncertain Significance. Advanced modeling of protein sequence and biophysical properties (such as structural, functional, and spatial information, amino acid conservation, physicochemical variation, residue mobility, and thermodynamic stability) performed at Invitae indicates that this missense variant is not expected to disrupt MMP9 protein function. This variant has not been reported in the literature in individuals affected with MMP9-related conditions. This variant is not present in population databases (gnomAD no frequency). This sequence change replaces valine, which is neutral and non-polar, with isoleucine, which is neutral and non-polar, at codon 101 of the MMP9 protein (p.Val101Ile).